The following is an entry in ClinVar:

ClinVar aggregate classification (germline): Uncertain significance (1 of 4 stars; one submission).

Conditions:
Brugada syndrome 8 (BRGDA8). Identifiers: Orphanet 130, MedGen C2751083, MONDO:0013148, OMIM 613123.

Submission:

Labcorp Genetics (formerly Invitae), Labcorp
Classification: Uncertain significance for Brugada syndrome 8. Last evaluated: 2024-11-02. Review status: criteria provided, single submitter. Criteria: Invitae Variant Classification Sherloc (09022015). Collection method: clinical testing. Allele origin: germline.
Comment: This sequence change replaces valine, which is neutral and non-polar, with methionine, which is neutral and non-polar, at codon 746 of the HCN4 protein (p.Val746Met). This variant is not present in population databases (gnomAD no frequency). This variant has not been reported in the literature in individuals affected with HCN4-related conditions. Invitae Evidence Modeling of protein sequence and biophysical properties (such as structural, functional, and spatial information, amino acid conservation, physicochemical variation, residue mobility, and thermodynamic stability) indicates that this missense variant is expected to disrupt HCN4 protein function with a positive predictive value of 95%. In summary, the available evidence is currently insufficient to determine the role of this variant in disease. Therefore, it has been classified as a Variant of Uncertain Significance.

NM_005477.3(HCN4):c.2236G>A (p.Val746Met)

Gene: HCN4 (hyperpolarization activated cyclic nucleotide gated potassium channel 4; minus strand). Cytogenetic location: 15q24.1.
Variant type: single nucleotide variant.
Coding change: c.2236G>A on transcript NM_005477.3 (MANE Select); coding-DNA position 2236, G replaced by A.
Protein change: p.Val746Met; replaces valine 746 with methionine.
Molecular consequence: missense variant.
Genome position (GRCh38, 1-based): chr15:73,323,857, C>T on the plus strand (G>A on the coding strand, the complement: HCN4 is on the minus strand). VCF-style: chr15-73323857-C-T. GRCh37 (hg19) VCF-style: chr15-73616198-C-T.
Other names: short protein forms V746M.
Identifiers: ClinVar variation 3720810 (VCV003720810.2).